The following is an entry in ClinVar:

ClinVar aggregate classification (germline): Uncertain significance (1 of 4 stars; one submission).

Conditions:
Arrhythmogenic right ventricular dysplasia 13. Also called: ARRHYTHMOGENIC RIGHT VENTRICULAR CARDIOMYOPATHY 13; Arrhythmogenic right ventricular dysplasia, familial, 13. Identifiers: MedGen C3810138, MONDO:0000908, OMIM 615616.

Submission:

Labcorp Genetics (formerly Invitae), Labcorp
Classification: Uncertain significance for Arrhythmogenic right ventricular dysplasia 13. Last evaluated: 2025-11-11. Review status: criteria provided, single submitter. Criteria: Invitae Variant Classification Sherloc (09022015). Collection method: clinical testing. Allele origin: germline.
Comment: This sequence change creates a premature translational stop signal (p.Asn254Metfs*9) in the CTNNA3 gene. It is expected to result in an absent or disrupted protein product. However, the current clinical and genetic evidence is not sufficient to establish whether loss-of-function variants in CTNNA3 cause disease. This variant is present in population databases (no rsID available, gnomAD 0.01%). This variant has not been reported in the literature in individuals affected with CTNNA3-related conditions. ClinVar contains an entry for this variant (Variation ID: 2420320). In summary, the available evidence is currently insufficient to determine the role of this variant in disease. Therefore, it has been classified as a Variant of Uncertain Significance.

NM_013266.4(CTNNA3):c.761del (p.Asn254fs)

Gene: CTNNA3 (catenin alpha 3; minus strand). Cytogenetic location: 10q21.3.
Variant type: Deletion.
Coding change: c.761del on transcript NM_013266.4 (MANE Select); coding-DNA position 761, one base deleted (A; older notation c.761delA).
Protein change: p.Asn254fs; shifts the reading frame from asparagine 254.
Molecular consequence: frameshift variant.
Genome position (GRCh38, 1-based): chr10:67,219,689, T deleted on the plus strand (A on the coding strand, the reverse complement: CTNNA3 is on the minus strand); the first of 3 consecutive T bases (chr10:67,219,689-67,219,691); deleting any one gives the same sequence. VCF-style (leftmost placement, unchanged base first): chr10-67219688-AT-A. GRCh37 (hg19) VCF-style: chr10-68979446-AT-A.
Other names: c.761del, p.Asn254fs (NM_001127384.3); c.797del, p.Asn266fs (NM_001291133.2); short protein forms N254fs, N266fs.
Identifiers: ClinVar variation 2420320 (VCV002420320.6), dbSNP rs1175187601, ClinGen allele CA594222298.
Genomic context (GRCh38, chr10:67,219,688, plus strand): 5'-TCCCAGGGTTGCTGCCTGAGGTTCTGGTGGGGTTGTCATATTCTGGATCCCTTGTGAAGC[AT>A]TTGAAATTACATTGAGAGCATTCTGAATTTCTTCACAAACTGTGTCCTTGCTTGCTTTGA-3'